The following is an entry in ClinVar:

ClinVar aggregate classification (germline): Likely benign. Review status: criteria provided, multiple submitters, no conflicts (2 of 4 stars). 2 submissions from 2 submitters: Likely benign (2). Last evaluated 2026-06-01.

Conditions:
Baller-Gerold syndrome (BGS). Also called: CRANIOSYNOSTOSIS WITH RADIAL DEFECTS. Identifiers: Orphanet 1225, MedGen C0265308, MONDO:0009039, OMIM 218600.

Allele frequency attached by ClinVar (database versions not stated): gnomAD exomes 0.00001 and 0.00002; TOPMed 0.00001; ExAC 0.00004; ESP Exome Variant Server 0.00008.
gnomAD v4.1: 17 of 1,612,556 alleles (0.0011%); highest among the groups gnomAD compares: Non-Finnish European, 0.0014%; no homozygotes.

Submissions (2):

CeGaT Center for Human Genetics Tuebingen
Classification: Likely benign. Last evaluated: 2026-06-01. Review status: criteria provided, single submitter. Criteria: CeGaT Center For Human Genetics Tuebingen Variant Classification Criteria Version 2. Collection method: clinical testing. Allele origin: germline. Affected: yes. Observed: 1 variant allele.
Comment: RECQL4: BP4, BP7

Labcorp Genetics (formerly Invitae), Labcorp
Classification: Likely benign for Baller-Gerold syndrome. Last evaluated: 2025-09-16. Review status: criteria provided, single submitter. Criteria: Invitae Variant Classification Sherloc (09022015). Collection method: clinical testing. Allele origin: germline.

NM_004260.4(RECQL4):c.3423C>T (p.Cys1141=)

Gene: RECQL4 (RecQ like helicase 4; minus strand). Cytogenetic location: 8q24.3.
Variant type: single nucleotide variant.
Coding change: c.3423C>T on transcript NM_004260.4 (MANE Select); coding-DNA position 3423, C replaced by T.
Protein change: p.Cys1141=; no amino-acid change (cysteine 1141 retained).
Molecular consequence: synonymous variant.
Genome position (GRCh38, 1-based): chr8:144,511,760, G>A on the plus strand (C>T on the coding strand, the complement: RECQL4 is on the minus strand). VCF-style: chr8-144511760-G-A. GRCh37 (hg19) VCF-style: chr8-145737143-G-A.
Identifiers: ClinVar variation 700768 (VCV000700768.11), dbSNP rs370611564, ClinGen allele CA4947745.